The following is an entry in ClinVar:

NM_001382273.1(TNK2):c.596C>T (p.Pro199Leu)

Gene: TNK2 (tyrosine kinase non receptor 2; minus strand). Cytogenetic location: 3q29.
Variant type: single nucleotide variant.
Coding change: c.596C>T on transcript NM_001382273.1 (MANE Select); coding-DNA position 596, C replaced by T.
Protein change: p.Pro199Leu; replaces proline 199 with leucine.
Molecular consequence: missense variant. On other transcripts: non-coding transcript variant (15).
Genome position (GRCh38, 1-based): chr3:195,883,170, G>A on the plus strand (C>T on the coding strand, the complement: TNK2 is on the minus strand). VCF-style: chr3-195883170-G-A. GRCh37 (hg19) VCF-style: chr3-195610041-G-A.
Other names: c.668C>T, p.Pro223Leu (NM_001387708.1, NM_001387715.1, NM_001010938.2 and 1 more transcripts); c.596C>T, p.Pro199Leu (NM_001387709.1, NM_001387710.1, NM_001387711.1 and 12 more transcripts); c.692C>T, p.Pro231Leu (NM_001308046.2, NM_001382271.1, NM_001382275.1 and 1 more transcripts); short protein forms P199L, P223L, P231L.
Identifiers: ClinVar variation 2856883 (VCV002856883.3), dbSNP rs759113376, ClinGen allele CA2776801.

ClinVar aggregate classification (germline): Uncertain significance (1 of 4 stars; one submission).

Allele frequency attached by ClinVar (database versions not stated): ExAC 0.00002; gnomAD exomes 0.00002; TOPMed 0.00002; gnomAD 0.00003.
gnomAD v4.1: 33 of 1,605,682 alleles (0.0021%); highest among the groups gnomAD compares: East Asian, 0.0089%; no homozygotes.

Submission:

Labcorp Genetics (formerly Invitae), Labcorp
Classification: Uncertain significance. Last evaluated: 2023-06-20. Review status: criteria provided, single submitter. Criteria: Invitae Variant Classification Sherloc (09022015). Collection method: clinical testing. Allele origin: germline.
Comment: Algorithms developed to predict the effect of missense changes on protein structure and function output the following: SIFT: "Not Available"; PolyPhen-2: "Benign"; Align-GVGD: "Not Available". The leucine amino acid residue is found in multiple mammalian species, which suggests that this missense change does not adversely affect protein function. This sequence change replaces proline, which is neutral and non-polar, with leucine, which is neutral and non-polar, at codon 262 of the TNK2 protein (p.Pro262Leu). This variant is present in population databases (rs759113376, gnomAD 0.006%). This variant has not been reported in the literature in individuals affected with TNK2-related conditions. In summary, the available evidence is currently insufficient to determine the role of this variant in disease. Therefore, it has been classified as a Variant of Uncertain Significance.